The following is an entry in ClinVar:

ClinVar aggregate classification (germline): Uncertain significance (1 of 4 stars; one submission).

Conditions:
Familial intrahepatic cholestasis. Identifiers: Orphanet 284385, MedGen CN296401, MONDO:0017290.

Submission:

Genomenon, Inc
Classification: Uncertain significance for Familial intrahepatic cholestasis. Last evaluated: 2026-04-14. Review status: criteria provided, single submitter. Criteria: Genomenon Sequence Variant Interpretation Standards - Updated. Collection method: curation. Allele origin: germline. Affected: no.
Comment: ABCB11 p.Lys12Arg (c.35A>G) is a missense variant that changes the amino acid at residue 12 from Lysine to Arginine. This variant has been reported in the published literature (PMID:37208429). It is absent or not present at a significant frequency in gnomAD. In silico models predict that this variant is not damaging. In conclusion, we classify ABCB11 p.Lys12Arg (c.35A>G) as a variant of uncertain significance.

Literature cited by the submitters: PubMed 37208429.

NM_003742.4(ABCB11):c.35A>G (p.Lys12Arg)

Gene: ABCB11 (ATP binding cassette subfamily B member 11; minus strand). Cytogenetic location: 2q31.1.
Variant type: single nucleotide variant.
Coding change: c.35A>G on transcript NM_003742.4 (MANE Select); coding-DNA position 35, A replaced by G.
Protein change: p.Lys12Arg; replaces lysine 12 with arginine.
Molecular consequence: missense variant.
Genome position (GRCh38, 1-based): chr2:169,018,091, T>C on the plus strand (A>G on the coding strand, the complement: ABCB11 is on the minus strand). VCF-style: chr2-169018091-T-C. GRCh37 (hg19) VCF-style: chr2-169874601-T-C.
Other names: short protein forms K12R.
Identifiers: ClinVar variation 4846064 (VCV004846064.1).